The following is an entry in ClinVar:

NM_002291.3(LAMB1):c.1572G>A (p.Ala524=)

Gene: LAMB1 (laminin subunit beta 1; minus strand). Cytogenetic location: 7q31.1.
Variant type: single nucleotide variant.
Coding change: c.1572G>A on transcript NM_002291.3 (MANE Select); coding-DNA position 1572, G replaced by A.
Protein change: p.Ala524=; no amino-acid change (alanine 524 retained).
Molecular consequence: synonymous variant.
Genome position (GRCh38, 1-based): chr7:107,964,678, C>T on the plus strand (G>A on the coding strand, the complement: LAMB1 is on the minus strand). VCF-style: chr7-107964678-C-T. GRCh37 (hg19) VCF-style: chr7-107605123-C-T.
Identifiers: ClinVar variation 383709 (VCV000383709.37), dbSNP rs36063621, ClinGen allele CA4435964.

ClinVar aggregate classification (germline): Benign. Review status: criteria provided, multiple submitters, no conflicts (2 of 4 stars). 4 submissions from 4 submitters: Benign (4). Last evaluated 2026-06-01.

Allele frequency attached by ClinVar (database versions not stated): TOPMed 0.00156; ESP Exome Variant Server 0.00161; gnomAD 0.00179 and 0.00131; gnomAD exomes 0.00265 and 0.00368; ExAC 0.00363; 1000 Genomes Project 0.00459; 1000 Genomes Project 30x 0.00500.
gnomAD v4.1: 4,183 of 1,614,056 alleles (0.26%); highest among the groups gnomAD compares: South Asian, 1.4%; 43 homozygotes.

Submissions (22):

CeGaT Center for Human Genetics Tuebingen
Classification: Benign. Last evaluated: 2026-06-01. Review status: criteria provided, single submitter. Criteria: CeGaT Center For Human Genetics Tuebingen Variant Classification Criteria Version 2. Collection method: clinical testing. Allele origin: germline. Affected: yes. Observed: 4 variant alleles.
Comment: LAMB1: BP4, BP7, BS1, BS2

Labcorp Genetics (formerly Invitae), Labcorp
Classification: Benign. Last evaluated: 2026-01-26. Review status: criteria provided, single submitter. Criteria: Invitae Variant Classification Sherloc (09022015). Collection method: clinical testing. Allele origin: germline.

GeneDx
Classification: Benign. Last evaluated: 2016-04-08. Review status: criteria provided, single submitter. Criteria: GeneDx Variant Classification (06012015). Collection method: clinical testing. Allele origin: germline. Affected: yes.
Comment: This variant is considered likely benign or benign based on one or more of the following criteria: it is a conservative change, it occurs at a poorly conserved position in the protein, it is predicted to be benign by multiple in silico algorithms, and/or has population frequency not consistent with disease.

Breakthrough Genomics
Classification: Benign. Review status: criteria provided, single submitter. Criteria: ACMG Guidelines, 2015. Collection method: not provided. Allele origin: germline. Inheritance: Autosomal recessive inheritance. Affected: yes.

Dr. Peter K. Rogan Lab, Western University
No classification provided (evidence only). Condition: Clear cell carcinoma of kidney. Review status: no classification provided. Collection method: in vitro. Allele origin: not applicable. Functional consequence: retained intron. Not counted in ClinVar's aggregate classification.

Dr. Peter K. Rogan Lab, Western University
No classification provided (evidence only). Condition: Clear cell carcinoma of kidney. Review status: no classification provided. Collection method: in vitro. Allele origin: not applicable. Functional consequence: retained intron. Not counted in ClinVar's aggregate classification.

Dr. Peter K. Rogan Lab, Western University
No classification provided (evidence only). Condition: Clear cell carcinoma of kidney. Review status: no classification provided. Collection method: in vitro. Allele origin: not applicable. Functional consequence: retained intron. Not counted in ClinVar's aggregate classification.

Dr. Peter K. Rogan Lab, Western University
No classification provided (evidence only). Condition: Familial cancer of breast. Review status: no classification provided. Collection method: in vitro. Allele origin: not applicable. Functional consequence: retained intron. Not counted in ClinVar's aggregate classification.

Dr. Peter K. Rogan Lab, Western University
No classification provided (evidence only). Condition: Familial cancer of breast. Review status: no classification provided. Collection method: in vitro. Allele origin: not applicable. Functional consequence: retained intron. Not counted in ClinVar's aggregate classification.

Dr. Peter K. Rogan Lab, Western University
No classification provided (evidence only). Condition: Familial cancer of breast. Review status: no classification provided. Collection method: in vitro. Allele origin: not applicable. Functional consequence: retained intron. Not counted in ClinVar's aggregate classification.

Dr. Peter K. Rogan Lab, Western University
No classification provided (evidence only). Condition: Colon adenocarcinoma. Review status: no classification provided. Collection method: in vitro. Allele origin: not applicable. Functional consequence: retained intron. Not counted in ClinVar's aggregate classification.

Dr. Peter K. Rogan Lab, Western University
No classification provided (evidence only). Condition: Colon adenocarcinoma. Review status: no classification provided. Collection method: in vitro. Allele origin: not applicable. Functional consequence: retained intron. Not counted in ClinVar's aggregate classification.

Dr. Peter K. Rogan Lab, Western University
No classification provided (evidence only). Condition: Colon adenocarcinoma. Review status: no classification provided. Collection method: in vitro. Allele origin: not applicable. Functional consequence: retained intron. Not counted in ClinVar's aggregate classification.

Dr. Peter K. Rogan Lab, Western University
No classification provided (evidence only). Condition: Thyroid cancer, nonmedullary, 1. Review status: no classification provided. Collection method: in vitro. Allele origin: not applicable. Functional consequence: retained intron. Not counted in ClinVar's aggregate classification.

Dr. Peter K. Rogan Lab, Western University
No classification provided (evidence only). Condition: Thyroid cancer, nonmedullary, 1. Review status: no classification provided. Collection method: in vitro. Allele origin: not applicable. Functional consequence: retained intron. Not counted in ClinVar's aggregate classification.

Dr. Peter K. Rogan Lab, Western University
No classification provided (evidence only). Condition: Sarcoma. Review status: no classification provided. Collection method: in vitro. Allele origin: not applicable. Functional consequence: retained intron. Not counted in ClinVar's aggregate classification.

Dr. Peter K. Rogan Lab, Western University
No classification provided (evidence only). Condition: Sarcoma. Review status: no classification provided. Collection method: in vitro. Allele origin: not applicable. Functional consequence: retained intron. Not counted in ClinVar's aggregate classification.

Dr. Peter K. Rogan Lab, Western University
No classification provided (evidence only). Condition: Cholangiocarcinoma. Review status: no classification provided. Collection method: in vitro. Allele origin: not applicable. Functional consequence: retained intron. Not counted in ClinVar's aggregate classification.

Dr. Peter K. Rogan Lab, Western University
No classification provided (evidence only). Condition: Ovarian serous cystadenocarcinoma. Review status: no classification provided. Collection method: in vitro. Allele origin: not applicable. Functional consequence: retained intron. Not counted in ClinVar's aggregate classification.

Dr. Peter K. Rogan Lab, Western University
No classification provided (evidence only). Condition: Gastric cancer. Review status: no classification provided. Collection method: in vitro. Allele origin: not applicable. Functional consequence: retained intron. Not counted in ClinVar's aggregate classification.

Dr. Peter K. Rogan Lab, Western University
No classification provided (evidence only). Condition: Gastric cancer. Review status: no classification provided. Collection method: in vitro. Allele origin: not applicable. Functional consequence: retained intron. Not counted in ClinVar's aggregate classification.

Dr. Peter K. Rogan Lab, Western University
No classification provided (evidence only). Condition: Malignant tumor of esophagus. Review status: no classification provided. Collection method: in vitro. Allele origin: not applicable. Functional consequence: retained intron. Not counted in ClinVar's aggregate classification.